The following is an entry in ClinVar:

NM_012469.4(PRPF6):c.1908+5G>T

Gene: PRPF6 (pre-mRNA processing factor 6; plus strand). Cytogenetic location: 20q13.33.
Variant type: single nucleotide variant.
Coding change: c.1908+5G>T on transcript NM_012469.4 (MANE Select); 5 bases into the intron after coding-DNA position 1908, G replaced by T.
Molecular consequence: intron variant.
Genome position (GRCh38, 1-based): chr20:64,024,698, G>T. VCF-style: chr20-64024698-G-T. GRCh37 (hg19) VCF-style: chr20-62656051-G-T.
Identifiers: ClinVar variation 3689820 (VCV003689820.2).

ClinVar aggregate classification (germline): Uncertain significance (1 of 4 stars; one submission).

Submission:

Labcorp Genetics (formerly Invitae), Labcorp
Classification: Uncertain significance. Last evaluated: 2024-10-17. Review status: criteria provided, single submitter. Criteria: Invitae Variant Classification Sherloc (09022015). Collection method: clinical testing. Allele origin: germline.
Comment: This sequence change falls in intron 14 of the PRPF6 gene. It does not directly change the encoded amino acid sequence of the PRPF6 protein. It affects a nucleotide within the consensus splice site. This variant is not present in population databases (gnomAD no frequency). This variant has not been reported in the literature in individuals affected with PRPF6-related conditions. Variants that disrupt the consensus splice site are a relatively common cause of aberrant splicing (PMID: 17576681, 9536098). Algorithms developed to predict the effect of sequence changes on RNA splicing suggest that this variant may disrupt the consensus splice site. In summary, the available evidence is currently insufficient to determine the role of this variant in disease. Therefore, it has been classified as a Variant of Uncertain Significance.

Literature cited by the submitters: PubMed 17576681; PubMed 9536098.